The following is an entry in ClinVar:

ClinVar aggregate classification (germline): Conflicting classifications of pathogenicity. Review status: criteria provided, conflicting classifications (1 of 4 stars). 4 submissions from 4 submitters: Likely pathogenic (2); Uncertain significance (1). 1 of the submissions does not count toward it. Last evaluated 2024-05-18.

Conditions:
Mucopolysaccharidosis type 7 (MPS7). Also called: MPS VII; BETA-GLUCURONIDASE DEFICIENCY; SLY SYNDROME; GUSB DEFICIENCY. Identifiers: Orphanet 584, MedGen C0085132, MONDO:0009662, OMIM 253220.

Allele frequency attached by ClinVar (database versions not stated): gnomAD exomes below 0.00001; ExAC 0.00001; gnomAD 0.00001; TOPMed 0.00001.
gnomAD v4.1: 8 of 1,612,522 alleles (0.0005%); highest among the groups gnomAD compares: Middle Eastern, 0.016%; no homozygotes.

Submissions (4):

Fulgent Genetics
Classification: Likely pathogenic for Mucopolysaccharidosis type 7. Last evaluated: 2024-05-18. Review status: criteria provided, single submitter. Criteria: ACMG Guidelines, 2015. Collection method: clinical testing. Allele origin: germline.

Women's Health and Genetics/Laboratory Corporation of America, LabCorp
Classification: Likely pathogenic for Mucopolysaccharidosis type 7. Last evaluated: 2024-05-14. Review status: criteria provided, single submitter. Criteria: LabCorp Variant Classification Summary - May 2015. Collection method: clinical testing. Allele origin: germline.
Comment: Variant summary: GUSB c.1831C>T (p.Arg611Trp) results in a non-conservative amino acid change located in the Glycoside hydrolase family 2, catalytic domain (IPR006103) of the encoded protein sequence. Five of five in-silico tools predict a damaging effect of the variant on protein function. The variant allele was found at a frequency of 4e-06 in 251484 control chromosomes (gnomAD). c.1831C>T has been reported in the literature in an individuals affected with Mucopolysaccharidosis Type VII (Sly Syndrome; Wu_1993). These data do not allow any conclusion about variant significance. This publication reports experimental evidence evaluating an impact on protein function, finding that the variant results in 0% of normal enzymatic activity. The following publication has been ascertained in the context of this evaluation (PMID: 8111413). ClinVar contains an entry for this variant (Variation ID: 897). Based on the evidence outlined above, the variant was classified as likely pathogenic.

Labcorp Genetics (formerly Invitae), Labcorp
Classification: Uncertain significance for Mucopolysaccharidosis type 7. Last evaluated: 2021-08-28. Review status: criteria provided, single submitter. Criteria: Invitae Variant Classification Sherloc (09022015). Collection method: clinical testing. Allele origin: germline.
Comment: This sequence change replaces arginine with tryptophan at codon 611 of the GUSB protein (p.Arg611Trp). The arginine residue is highly conserved and there is a moderate physicochemical difference between arginine and tryptophan. This variant is present in population databases (rs121918176, ExAC 0.001%). This missense change has been observed in individual(s) with mucopolysaccharidosis type VII (PMID: 8111413). ClinVar contains an entry for this variant (Variation ID: 897). Algorithms developed to predict the effect of missense changes on protein structure and function are either unavailable or do not agree on the potential impact of this missense change (SIFT: "Deleterious"; PolyPhen-2: "Probably Damaging"; Align-GVGD: "Class C0"). Experimental studies have shown that this missense change affects GUSB function (PMID: 8111413). In summary, the available evidence is currently insufficient to determine the role of this variant in disease. Therefore, it has been classified as a Variant of Uncertain Significance.

OMIM
Classification: Pathogenic for MUCOPOLYSACCHARIDOSIS, TYPE VII. Last evaluated: 1993-01-01. Review status: no assertion criteria provided. Collection method: literature only. Allele origin: germline. Not counted in ClinVar's aggregate classification.

Literature cited by the submitters: PubMed 8111413 (cited by 3 submitters).

NM_000181.4(GUSB):c.1831C>T (p.Arg611Trp)

Gene: GUSB (glucuronidase beta; minus strand). Cytogenetic location: 7q11.21.
Variant type: single nucleotide variant.
Coding change: c.1831C>T on transcript NM_000181.4 (MANE Select); coding-DNA position 1831, C replaced by T.
Protein change: p.Arg611Trp; replaces arginine 611 with tryptophan.
Molecular consequence: missense variant. On other transcripts: non-coding transcript variant (1).
Genome position (GRCh38, 1-based): chr7:65,961,022, G>A on the plus strand (C>T on the coding strand, the complement: GUSB is on the minus strand). VCF-style: chr7-65961022-G-A. GRCh37 (hg19) VCF-style: chr7-65426009-G-A.
Other names: c.1393C>T, p.Arg465Trp (NM_001284290.2); c.1261C>T, p.Arg421Trp (NM_001293104.2); c.1174C>T, p.Arg392Trp (NM_001293105.2); short protein forms R611W, R392W, R421W, R465W.
Identifiers: ClinVar variation 897 (VCV000000897.7), dbSNP rs121918176, ClinGen allele CA339841.
Genomic context (GRCh38, chr7:65,961,022, plus strand): 5'-TGGCAATCTTCCAGTATCTCTCTCGCAAAAGGAACGCTGCACTTTTTGGTTGTCTCTGCC[G>A]AGTGAAGATCCCCTTTTTATTCCCCAGCACTCTCGTCGGTGCTACAAAAAAAAAAAAAAG-3'
Protein context (NP_000172.2, residues 601-621): VLGNKKGIFT[Arg611Trp]QRQPKSAAFL